The following is an entry in ClinVar:

NM_014423.4(AFF4):c.1264G>T (p.Asp422Tyr)

Gene: AFF4 (ALF transcription elongation factor 4; minus strand). Cytogenetic location: 5q31.1.
Variant type: single nucleotide variant.
Coding change: c.1264G>T on transcript NM_014423.4 (MANE Select); coding-DNA position 1264, G replaced by T.
Protein change: p.Asp422Tyr; replaces aspartic acid 422 with tyrosine.
Molecular consequence: missense variant.
Genome position (GRCh38, 1-based): chr5:132,898,355, C>A on the plus strand (G>T on the coding strand, the complement: AFF4 is on the minus strand). VCF-style: chr5-132898355-C-A. GRCh37 (hg19) VCF-style: chr5-132234047-C-A.
Other names: short protein forms D422Y.
Identifiers: ClinVar variation 2894045 (VCV002894045.3), dbSNP rs2532481833, ClinGen allele CA360941886.

ClinVar aggregate classification (germline): Uncertain significance (1 of 4 stars; one submission).

Conditions:
Cognitive impairment - coarse facies - heart defects - obesity - pulmonary involvement - short stature - skeletal dysplasia syndrome. Also called: COGNITIVE IMPAIRMENT, COARSE FACIES, HEART DEFECTS, OBESITY, PULMONARY INVOLVEMENT, SHORT STATURE, AND SKELETAL DYSPLASIA; Chops syndrome; AFF4-Related CHOPS Syndrome. Identifiers: Orphanet 444077, MedGen C4085597, MONDO:0014609, OMIM 616368.

Submission:

Labcorp Genetics (formerly Invitae), Labcorp
Classification: Uncertain significance for Cognitive impairment - coarse facies - heart defects - obesity - pulmonary involvement - short stature - skeletal dysplasia syndrome. Last evaluated: 2025-06-29. Review status: criteria provided, single submitter. Criteria: Invitae Variant Classification Sherloc (09022015). Collection method: clinical testing. Allele origin: germline.
Comment: This sequence change replaces aspartic acid, which is acidic and polar, with tyrosine, which is neutral and polar, at codon 422 of the AFF4 protein (p.Asp422Tyr). This variant is not present in population databases (gnomAD no frequency). This variant has not been reported in the literature in individuals affected with AFF4-related conditions. ClinVar contains an entry for this variant (Variation ID: 2894045). Invitae Evidence Modeling of protein sequence and biophysical properties (such as structural, functional, and spatial information, amino acid conservation, physicochemical variation, residue mobility, and thermodynamic stability) has been performed for this missense variant. However, the output from this modeling did not meet the statistical confidence thresholds required to predict the impact of this variant on AFF4 protein function. In summary, the available evidence is currently insufficient to determine the role of this variant in disease. Therefore, it has been classified as a Variant of Uncertain Significance.